The following is an entry in ClinVar:

NM_000077.5(CDKN2A):c.150+214del

Gene: CDKN2A (cyclin dependent kinase inhibitor 2A; minus strand). Cytogenetic location: 9p21.3.
Variant type: Deletion.
Coding change: c.150+214del on transcript NM_000077.5 (MANE Select); 214 bases into the intron after coding-DNA position 150, one base deleted (G; older notation c.150+214delG).
Molecular consequence: intron variant. On other transcripts: 3 prime UTR variant (1).
Genome position (GRCh38, 1-based): chr9:21,974,464, C deleted on the plus strand (G on the coding strand, the reverse complement: CDKN2A is on the minus strand). VCF-style (leftmost placement, unchanged base first): chr9-21974463-AC-A. GRCh37 (hg19) VCF-style: chr9-21974462-AC-A.
Other names: c.150+214delG (NM_001195132.1); c.*13del (NM_058197.5); c.-3-3256del (NM_001363763.2); c.194-3256del (NM_058195.4); c.150+214del (NM_001195132.2).
Identifiers: ClinVar variation 402524 (VCV000402524.4), dbSNP rs200129494, ClinGen allele CA5012251.

ClinVar aggregate classification (germline): Benign (1 of 4 stars; one submission).

Allele frequency attached by ClinVar (database versions not stated): gnomAD exomes 0.00115 and 0.00107; ExAC 0.00264; gnomAD 0.00971 and 0.01057; 1000 Genomes Project 30x 0.00984; ESP Exome Variant Server 0.00879; 1000 Genomes Project 0.00899.

Submission:

Laboratory for Molecular Medicine, Mass General Brigham Personalized Medicine
Classification: Benign. Last evaluated: 2016-03-28. Review status: criteria provided, single submitter. Criteria: LMM Criteria. Collection method: clinical testing. Allele origin: germline.
Comment: Variant identified in a genome or exome case(s) and assessed due to predicted null impact of the variant or pathogenic assertions in the literature or databases. Disclaimer: This variant has not undergone full assessment. The following are preliminary notes: Frequency